The following is an entry in ClinVar:

ClinVar aggregate classification (germline): Benign/Likely benign. Review status: criteria provided, multiple submitters, no conflicts (2 of 4 stars). 5 submissions from 5 submitters: Benign (3); Likely benign (2). Last evaluated 2025-11-05.

Conditions:
Ocular albinism, type I (OA1). Also called: NETTLESHIP-FALLS TYPE OCULAR ALBINISM; X-linked recessive ocular albinism; Ocular Albinism type 1; Ocular albinism, type I, Nettleship-Falls type. Identifiers: Orphanet 54, MedGen C0342684, MONDO:0021019, OMIM 300500.
Nystagmus 6, congenital, X-linked (NYS6). Identifiers: MedGen C3151752, MONDO:0010435, OMIM 300814.
GPR143-related disorder. Also called: GPR143-related condition.

Allele frequency attached by ClinVar (database versions not stated): gnomAD exomes 0.00015 and 0.00037; ExAC 0.00064; gnomAD 0.00098 and 0.00099; ESP Exome Variant Server 0.00104; TOPMed 0.00113; 1000 Genomes Project 30x 0.00250; 1000 Genomes Project 0.00265.

Submissions (5):

Labcorp Genetics (formerly Invitae), Labcorp
Classification: Benign. Last evaluated: 2025-11-05. Review status: criteria provided, single submitter. Criteria: Invitae Variant Classification Sherloc (09022015). Collection method: clinical testing. Allele origin: germline.

PreventionGenetics, part of Exact Sciences
Classification: Benign for GPR143-related condition. Last evaluated: 2025-01-23. Review status: criteria provided, single submitter. Criteria: ACMG Guidelines, 2015. Collection method: clinical testing. Allele origin: germline.
Comment: This variant is classified as benign based on ACMG/AMP sequence variant interpretation guidelines (Richards et al. 2015 PMID: 25741868, with internal and published modifications).

Blueprint Genetics
Classification: Likely benign. Last evaluated: 2024-09-02. Review status: criteria provided, single submitter. Criteria: ACMG Guidelines, 2015. Collection method: clinical testing. Allele origin: germline.

Department of Pathology and Laboratory Medicine, Sinai Health System
Classification: Likely benign for Ocular albinism, type I; Nystagmus 6, congenital, X-linked. Last evaluated: 2021-07-30. Review status: criteria provided, single submitter. Criteria: ACMG Guidelines, 2015. Collection method: research. Allele origin: germline.

Breakthrough Genomics
Classification: Benign. Review status: criteria provided, single submitter. Criteria: ACMG Guidelines, 2015. Collection method: not provided. Allele origin: germline. Inheritance: X-linked inheritance. Affected: yes.

NM_000273.3(GPR143):c.1133G>A (p.Ser378Asn)

Gene: GPR143 (G protein-coupled receptor 143; minus strand). Cytogenetic location: Xp22.2.
Variant type: single nucleotide variant.
Coding change: c.1133G>A on transcript NM_000273.3 (MANE Select); coding-DNA position 1133, G replaced by A.
Protein change: p.Ser378Asn; replaces serine 378 with asparagine.
Molecular consequence: missense variant.
Genome position (GRCh38, 1-based): chrX:9,725,828, C>T on the plus strand (G>A on the coding strand, the complement: GPR143 is on the minus strand). VCF-style: chrX-9725828-C-T. GRCh37 (hg19) VCF-style: chrX-9693868-C-T.
Other names: short protein forms S378N.
Identifiers: ClinVar variation 720640 (VCV000720640.14), dbSNP rs150992924, ClinGen allele CA10344875.